The following is an entry in ClinVar:

ClinVar aggregate classification (germline): Likely pathogenic (1 of 4 stars; one submission).

Conditions:
Hereditary cancer-predisposing syndrome. Also called: Neoplastic Syndromes, Hereditary; Tumor predisposition; Hereditary Cancer Syndrome; Hereditary neoplastic syndrome. Identifiers: Orphanet 140162, MedGen C0027672, MeSH D009386, MONDO:0015356.

Submission:

Ambry Genetics
Classification: Likely pathogenic for Hereditary cancer-predisposing syndrome. Last evaluated: 2025-11-21. Review status: criteria provided, single submitter. Criteria: Ambry Variant Classification Scheme 2023. Collection method: clinical testing. Allele origin: germline.
Comment: The c.-30-3delC intronic variant is located 3 nucleotides before coding exon 1 of the ATM gene. This variant results from a deletion of one nucleotide at position c.-30-3. This nucleotide position is well conserved in available vertebrate species. In silico splice site analysis predicts that this alteration will weaken the native splice acceptor site. RNA studies have demonstrated that this alteration results in abnormal splicing in the set of samples tested (Ambry internal data). Based on the majority of available evidence to date, this variant is likely to be pathogenic.

NM_000051.4(ATM):c.-30-3del

Gene: ATM (ATM serine/threonine kinase; plus strand). Cytogenetic location: 11q22.3.
Variant type: Deletion.
Coding change: c.-30-3del on transcript NM_000051.4 (MANE Select); 3 bases into the intron before 30 bases upstream of the start codon, one base deleted (C; older notation c.-30-3delC).
Molecular consequence: intron variant.
Genome position (GRCh38, 1-based): chr11:108,227,592, C deleted. VCF-style (leftmost placement, unchanged base first): chr11-108227591-AC-A. GRCh37 (hg19) VCF-style: chr11-108098318-AC-A.
Other names: c.-30-3del (NM_001351834.2, NM_001351835.2, NM_001351836.2).
Identifiers: ClinVar variation 4617064 (VCV004617064.1).